The following is an entry in ClinVar:

ClinVar aggregate classification (germline): Uncertain significance (1 of 4 stars; one submission).

Conditions:
PTCH2-related disorder. Also called: PTCH2-related condition; PTCH2-related disease.
Gorlin syndrome. Also called: Nevoid Basal Cell Carcinoma Syndrome; Basal cell nevus syndrome. Identifiers: Orphanet 377, MedGen C0004779, MONDO:0007187.

Allele frequency attached by ClinVar (database versions not stated): TOPMed below 0.00001; ExAC 0.00001; gnomAD 0.00001.
gnomAD v4.1: 14 of 1,614,044 alleles (0.00087%); highest among the groups gnomAD compares: Non-Finnish European, 0.0011%; no homozygotes.

Submission:

Labcorp Genetics (formerly Invitae), Labcorp
Classification: Uncertain significance for Gorlin syndrome. Last evaluated: 2023-12-29. Review status: criteria provided, single submitter. Criteria: Invitae Variant Classification Sherloc (09022015). Collection method: clinical testing. Allele origin: germline.
Comment: This sequence change affects codon 151 of the PTCH2 mRNA. It is a 'silent' change, meaning that it does not change the encoded amino acid sequence of the PTCH2 protein. This variant is present in population databases (rs757012124, gnomAD 0.0009%). This variant has not been reported in the literature in individuals affected with PTCH2-related conditions. ClinVar contains an entry for this variant (Variation ID: 572277). Algorithms developed to predict the effect of sequence changes on RNA splicing suggest that this variant may disrupt the consensus splice site. In summary, the available evidence is currently insufficient to determine the role of this variant in disease. Therefore, it has been classified as a Variant of Uncertain Significance.

NM_003738.5(PTCH2):c.453G>T (p.Gly151=)

Gene: PTCH2 (patched 2; minus strand). Cytogenetic location: 1p34.1.
Variant type: single nucleotide variant.
Coding change: c.453G>T on transcript NM_003738.5 (MANE Select); coding-DNA position 453, G replaced by T.
Protein change: p.Gly151=; no amino-acid change (glycine 151 retained).
Molecular consequence: synonymous variant.
Genome position (GRCh38, 1-based): chr1:44,832,154, C>A on the plus strand (G>T on the coding strand, the complement: PTCH2 is on the minus strand). VCF-style: chr1-44832154-C-A. GRCh37 (hg19) VCF-style: chr1-45297826-C-A.
Other names: c.453G>T, p.Gly151= (NM_001166292.2).
Identifiers: ClinVar variation 572277 (VCV000572277.12), dbSNP rs757012124, ClinGen allele CA823639.